The following is an entry in ClinVar:

ClinVar aggregate classification (germline): Likely benign (0 of 4 stars; one submission).

Conditions:
BMP5-related disorder. Also called: BMP5-related condition.

Allele frequency attached by ClinVar (database versions not stated): ESP Exome Variant Server 0.00054; 1000 Genomes Project 30x 0.00078; 1000 Genomes Project 0.00100.
gnomAD v4.1: 1,517 of 1,613,070 alleles (0.094%); highest among the groups gnomAD compares: Non-Finnish European, 0.042%; 9 homozygotes.

Submission:

PreventionGenetics, part of Exact Sciences
Classification: Likely benign for BMP5-related condition. Last evaluated: 2019-04-10. Review status: no assertion criteria provided. Collection method: clinical testing. Allele origin: germline.
Comment: This variant is classified as likely benign based on ACMG/AMP sequence variant interpretation guidelines (Richards et al. 2015 PMID: 25741868, with internal and published modifications).

NM_021073.4(BMP5):c.894A>G (p.Gln298=)

Gene: BMP5 (bone morphogenetic protein 5; minus strand). Cytogenetic location: 6p12.1.
Variant type: single nucleotide variant.
Coding change: c.894A>G on transcript NM_021073.4 (MANE Select); coding-DNA position 894, A replaced by G.
Protein change: p.Gln298=; no amino-acid change (glutamine 298 retained).
Molecular consequence: synonymous variant.
Genome position (GRCh38, 1-based): chr6:55,774,182, T>C on the plus strand (A>G on the coding strand, the complement: BMP5 is on the minus strand). VCF-style: chr6-55774182-T-C. GRCh37 (hg19) VCF-style: chr6-55638980-T-C.
Other names: c.894A>G, p.Gln298= (NM_001329754.2, NM_001329756.2).
Identifiers: ClinVar variation 3038083 (VCV003038083.2), dbSNP rs80225326, ClinGen allele CA3864753.